The following is an entry in ClinVar:

NM_174936.4(PCSK9):c.556G>C (p.Asp186His)

Gene: PCSK9 (proprotein convertase subtilisin/kexin type 9; plus strand). Cytogenetic location: 1p32.3.
Variant type: single nucleotide variant.
Coding change: c.556G>C on transcript NM_174936.4 (MANE Select); coding-DNA position 556, G replaced by C.
Protein change: p.Asp186His; replaces aspartic acid 186 with histidine.
Molecular consequence: missense variant. On other transcripts: non-coding transcript variant (8).
Genome position (GRCh38, 1-based): chr1:55,052,310, G>C. VCF-style: chr1-55052310-G-C. GRCh37 (hg19) VCF-style: chr1-55517983-G-C.
Other names: c.679G>C, p.Asp227His (NM_001407240.1); c.556G>C, p.Asp186His (NM_001407241.1, NM_001407242.1, NM_001407244.1 and 1 more transcripts); c.499G>C, p.Asp167His (NM_001407243.1); c.364G>C, p.Asp122His (NM_001407245.1); c.181G>C, p.Asp61His (NM_001407246.1); short protein forms D122H, D167H, D186H, D227H, D61H.
Identifiers: ClinVar variation 2447537 (VCV002447537.4), dbSNP rs1307418122, ClinGen allele CA340473112.
Genomic context (GRCh38, chr1:55,052,310, plus strand): 5'-CCTCTCCCACAAATGTCGCCTTGGAAAGACGGAGGCAGCCTGGTGGAGGTGTATCTCCTA[G>C]ACACCAGCATACAGAGTGACCACCGGGAAATCGAGGGCAGGGTCATGGTCACCGACTTCG-3'
Protein context (NP_777596.2, residues 176-196): GGSLVEVYLL[Asp186His]TSIQSDHREI

ClinVar aggregate classification (germline): Uncertain significance. Review status: criteria provided, multiple submitters, no conflicts (2 of 4 stars). 2 submissions from 2 submitters: Uncertain significance (2). Last evaluated 2025-07-29.

Conditions:
Hypercholesterolemia, autosomal dominant, 3 (FHCL3). Also called: Familial Hypercholesterolemia, Autosomal Dominant, 3; PCSK9-Related Familial Hypercholesterolemia, Autosomal Dominant; Familial hypercholesterolemia 3. Identifiers: MedGen C1863551, MONDO:0011369, OMIM 603776.
Cardiovascular phenotype. Identifiers: MedGen CN230736.

Allele frequency attached by ClinVar (database versions not stated): gnomAD exomes 0.00001.
gnomAD v4.1: 14 of 1,613,996 alleles (0.00087%); highest among the groups gnomAD compares: Non-Finnish European, 0.0012%; no homozygotes.

Submissions (2):

Ambry Genetics
Classification: Uncertain significance for Cardiovascular phenotype. Last evaluated: 2025-07-29. Review status: criteria provided, single submitter. Criteria: Ambry Variant Classification Scheme 2023. Collection method: clinical testing. Allele origin: germline.
Comment: The p.D186H variant (also known as c.556G>C), located in coding exon 4 of the PCSK9 gene, results from a G to C substitution at nucleotide position 556. The aspartic acid at codon 186 is replaced by histidine, an amino acid with similar properties. This amino acid position is conserved. In addition, this alteration is predicted to be deleterious by in silico analysis. Since supporting evidence is limited at this time, the clinical significance of this alteration remains unclear.

All of Us Research Program, National Institutes of Health
Classification: Uncertain significance for Hypercholesterolemia, autosomal dominant, 3. Last evaluated: 2023-08-28. Review status: criteria provided, single submitter. Criteria: ACMG Guidelines, 2015. Collection method: clinical testing. Allele origin: germline. Inheritance: Autosomal dominant inheritance. Observed: 1 variant allele, 1 heterozygote.
Comment: This missense variant replaces aspartic acid with histidine at codon 186 of the PCSK9 protein. Computational prediction suggests that this variant may have deleterious impact on protein structure and function (internally defined REVEL score threshold >= 0.7, PMID: 27666373). To our knowledge, functional studies have not been reported for this variant. This variant has not been reported in individuals affected with PCSK9-related disorders in the literature. This variant has been identified in 1/251356 chromosomes in the general population by the Genome Aggregation Database (gnomAD). The available evidence is insufficient to determine the role of this variant in disease conclusively. Therefore, this variant is classified as a Variant of Uncertain Significance.

This study involves interpretation of variants in research participants for the purpose of population health screening. Participant phenotype was not available at the time of variant classification. Additional details can be found in publication PMID: 35346344, PMCID: PMC8962531